The following is an entry in ClinVar:

NM_000059.4(BRCA2):c.3738T>C (p.Asn1246=)

Gene: BRCA2 (BRCA2 DNA repair associated; plus strand). Cytogenetic location: 13q13.1.
Variant type: single nucleotide variant.
Coding change: c.3738T>C on transcript NM_000059.4 (MANE Select); coding-DNA position 3738, T replaced by C.
Protein change: p.Asn1246=; no amino-acid change (asparagine 1246 retained).
Molecular consequence: synonymous variant. On other transcripts: non-coding transcript variant (1), intron variant (2).
Genome position (GRCh38, 1-based): chr13:32,338,093, T>C. VCF-style: chr13-32338093-T-C. GRCh37 (hg19) VCF-style: chr13-32912230-T-C.
Other names: c.3738T>C, p.Asn1246= (NM_001406719.1, NM_001406720.1, NM_001432077.1); c.1909+4706T>C (NM_001406721.1); c.425-6465T>C (NM_001406722.1).
Identifiers: ClinVar variation 3386244 (VCV003386244.1).

ClinVar aggregate classification (germline): Likely benign (1 of 4 stars; one submission).

Conditions:
BRCA2-related cancer predisposition. Identifiers: MedGen CN377758, MONDO:0700269.

Submission:

All of Us Research Program, National Institutes of Health
Classification: Likely benign for BRCA2-related cancer predisposition. Last evaluated: 2024-08-13. Review status: criteria provided, single submitter. Criteria: ACMG Guidelines, 2015. Collection method: clinical testing. Allele origin: germline. Inheritance: Autosomal dominant inheritance. Observed: 1 variant allele, 1 heterozygote.
Comment: This study involves interpretation of variants in research participants for the purpose of population health screening. Participant phenotype was not available at the time of variant classification. Additional details can be found in publication PMID: 35346344, PMCID: PMC8962531